The following is an entry in ClinVar:

ClinVar aggregate classification (germline): Uncertain significance. Review status: criteria provided, multiple submitters, no conflicts (2 of 4 stars). 2 submissions from 2 submitters: Uncertain significance (2). Last evaluated 2023-04-12.

Conditions:
Hereditary cancer-predisposing syndrome. Also called: Neoplastic Syndromes, Hereditary; Tumor predisposition; Hereditary Cancer Syndrome; Hereditary neoplastic syndrome. Identifiers: Orphanet 140162, MedGen C0027672, MeSH D009386, MONDO:0015356.
Familial adenomatous polyposis 1 (FAP1). Also called: FAMILIAL ADENOMATOUS POLYPOSIS 1, ATTENUATED; POLYPOSIS, ADENOMATOUS INTESTINAL. Identifiers: MedGen C2713442, MONDO:0021056, OMIM 175100. Disease mechanism: loss of function.

Submissions (2):

Labcorp Genetics (formerly Invitae), Labcorp
Classification: Uncertain significance for Familial adenomatous polyposis 1. Last evaluated: 2023-04-12. Review status: criteria provided, single submitter. Criteria: Invitae Variant Classification Sherloc (09022015). Collection method: clinical testing. Allele origin: germline.
Comment: In summary, the available evidence is currently insufficient to determine the role of this variant in disease. Therefore, it has been classified as a Variant of Uncertain Significance. Advanced modeling of protein sequence and biophysical properties (such as structural, functional, and spatial information, amino acid conservation, physicochemical variation, residue mobility, and thermodynamic stability) performed at Invitae indicates that this missense variant is not expected to disrupt APC protein function. ClinVar contains an entry for this variant (Variation ID: 482450). This variant has not been reported in the literature in individuals affected with APC-related conditions. This variant is not present in population databases (gnomAD no frequency). This sequence change replaces aspartic acid, which is acidic and polar, with tyrosine, which is neutral and polar, at codon 1033 of the APC protein (p.Asp1033Tyr).

Ambry Genetics
Classification: Uncertain significance for Hereditary cancer-predisposing syndrome. Last evaluated: 2017-03-10. Review status: criteria provided, single submitter. Criteria: Ambry Variant Classification Scheme 2023. Collection method: clinical testing. Allele origin: germline.
Comment: The p.D1033Y variant (also known as c.3097G>T), located in coding exon 15 of the APC gene, results from a G to T substitution at nucleotide position 3097. The aspartic acid at codon 1033 is replaced by tyrosine, an amino acid with highly dissimilar properties. This amino acid position is highly conserved in available vertebrate species. In addition, in silico predictors for this gene do not accurately predict pathogenicity. Since supporting evidence is limited at this time, the clinical significance of this alteration remains unclear.

NM_000038.6(APC):c.3097G>T (p.Asp1033Tyr)

Gene: APC (APC regulator of Wnt signaling pathway; plus strand). Cytogenetic location: 5q22.2.
Variant type: single nucleotide variant.
Coding change: c.3097G>T on transcript NM_000038.6 (MANE Select); coding-DNA position 3097, G replaced by T.
Protein change: p.Asp1033Tyr; replaces aspartic acid 1033 with tyrosine.
Molecular consequence: missense variant.
Genome position (GRCh38, 1-based): chr5:112,838,691, G>T. VCF-style: chr5-112838691-G-T. GRCh37 (hg19) VCF-style: chr5-112174388-G-T.
Other names: c.3097G>T, p.Asp1033Tyr (NM_001127510.3, NM_001354895.2); c.3043G>T, p.Asp1015Tyr (NM_001127511.3); c.3151G>T, p.Asp1051Tyr (NM_001354896.2); c.3127G>T, p.Asp1043Tyr (NM_001354897.2); c.3022G>T, p.Asp1008Tyr (NM_001354898.2); c.3013G>T, p.Asp1005Tyr (NM_001354899.2); c.2974G>T, p.Asp992Tyr (NM_001354900.2); c.2920G>T, p.Asp974Tyr (NM_001354901.2); and 5 more; short protein forms D1033Y, D1015Y, D974Y, D873Y, D1005Y, D1008Y, D1043Y, D932Y.
Identifiers: ClinVar variation 482450 (VCV000482450.16), dbSNP rs1554084686, ClinGen allele CA16028117.